The following is an entry in ClinVar:

NM_170606.3(KMT2C):c.10213C>T (p.Arg3405Ter)

Gene: KMT2C (lysine methyltransferase 2C; minus strand). Cytogenetic location: 7q36.1.
Variant type: single nucleotide variant.
Coding change: c.10213C>T on transcript NM_170606.3 (MANE Select); coding-DNA position 10213, C replaced by T.
Protein change: p.Arg3405Ter; replaces arginine 3405 with a stop codon.
Molecular consequence: nonsense.
Genome position (GRCh38, 1-based): chr7:152,163,364, G>A on the plus strand (C>T on the coding strand, the complement: KMT2C is on the minus strand). VCF-style: chr7-152163364-G-A. GRCh37 (hg19) VCF-style: chr7-151860449-G-A.
Other names: short protein forms R3405*.
Identifiers: ClinVar variation 620513 (VCV000620513.3), dbSNP rs1485613651, ClinGen allele CA370104398.

ClinVar aggregate classification (germline): Pathogenic (1 of 4 stars; one submission).

Submission:

GeneDx
Classification: Pathogenic. Last evaluated: 2025-08-28. Review status: criteria provided, single submitter. Criteria: GeneDx Variant Classification Process June 2021. Collection method: clinical testing. Allele origin: germline. Affected: yes.
Comment: Nonsense variant predicted to result in protein truncation or nonsense mediated decay in a gene for which loss of function is a known mechanism of disease; Not observed at significant frequency in large population cohorts (gnomAD); Has not been previously published as pathogenic or benign to our knowledge